The following is an entry in ClinVar:

NM_138393.4(REEP6):c.50T>C (p.Leu17Pro)

Genes: REEP6 (receptor accessory protein 6; plus strand), LOC130062963 (ATAC-STARR-seq lymphoblastoid silent region 9724; plus strand). Cytogenetic location: 19p13.3.
Variant type: single nucleotide variant.
Coding change: c.50T>C on transcript NM_138393.4 (MANE Select); coding-DNA position 50, T replaced by C.
Protein change: p.Leu17Pro; replaces leucine 17 with proline.
Molecular consequence: missense variant.
Genome position (GRCh38, 1-based): chr19:1,491,319, T>C. VCF-style: chr19-1491319-T-C. GRCh37 (hg19) VCF-style: chr19-1491318-T-C.
Other names: c.50T>C, p.Leu17Pro (NM_001329556.3); short protein forms L17P.
Identifiers: ClinVar variation 834265 (VCV000834265.8), dbSNP rs2084932592, ClinGen allele CA403055768.
Genomic context (GRCh38, chr19:1,491,319, plus strand): 5'-GCGTCGGGGCCATGGACGGCCTGAGGCAGCGCGTGGAGCACTTCCTGGAGCAAAGGAACC[T>C]GGTCACCGAAGTGCTGGGGGCGCTGGAGGCCAAGACCGGGGTGGAGAAGCGGTATCTGGC-3'
Protein context (NP_612402.1, residues 7-27): RVEHFLEQRN[Leu17Pro]VTEVLGALEA

ClinVar aggregate classification (germline): Uncertain significance (1 of 4 stars; one submission).

Submission:

Labcorp Genetics (formerly Invitae), Labcorp
Classification: Uncertain significance. Last evaluated: 2020-06-07. Review status: criteria provided, single submitter. Criteria: Invitae Variant Classification Sherloc (09022015). Collection method: clinical testing. Allele origin: germline.
Comment: This variant is not present in population databases (ExAC no frequency). This sequence change replaces leucine with proline at codon 17 of the REEP6 protein (p.Leu17Pro). The leucine residue is weakly conserved and there is a moderate physicochemical difference between leucine and proline. This variant has not been reported in the literature in individuals with REEP6-related conditions. ClinVar contains an entry for this variant (Variation ID: 834265). Experimental studies and prediction algorithms are not available or were not evaluated, and the functional significance of this variant is currently unknown. In summary, the available evidence is currently insufficient to determine the role of this variant in disease. Therefore, it has been classified as a Variant of Uncertain Significance.